The following is an entry in ClinVar:

NM_002292.4(LAMB2):c.1394_1396del (p.Leu465_Gly466delinsArg)

Gene: LAMB2 (laminin subunit beta 2; minus strand). Cytogenetic location: 3p21.31.
Variant type: Deletion.
Coding change: c.1394_1396del on transcript NM_002292.4 (MANE Select); coding-DNA positions 1394 to 1396, 3 bases deleted (TGG; older notation c.1394_1396delTGG).
Protein change: p.Leu465_Gly466delinsArg.
Molecular consequence: inframe indel.
Genome position (GRCh38, 1-based): chr3:49,129,848-49,129,850, CCA deleted on the plus strand (TGG on the coding strand, the reverse complement: LAMB2 is on the minus strand). VCF-style (leftmost placement, unchanged base first): chr3-49129847-CCCA-C. GRCh37 (hg19) VCF-style: chr3-49167280-CCCA-C.
Identifiers: ClinVar variation 1356274 (VCV001356274.8), dbSNP rs1277599013, ClinGen allele CA542803919.

ClinVar aggregate classification (germline): Uncertain significance (1 of 4 stars; one submission).

Conditions:
Pierson syndrome. Also called: MICROCORIA-CONGENITAL NEPHROTIC SYNDROME. Identifiers: Orphanet 2670, MedGen C1836876, MONDO:0012184, OMIM 609049.
LAMB2-related infantile-onset nephrotic syndrome. Also called: NEPHROTIC SYNDROME, TYPE 5, WITHOUT OCULAR ABNORMALITIES; NEPHROTIC SYNDROME, TYPE 5, WITH OCULAR ABNORMALITIES; Nephrotic Syndrome, type 5. Identifiers: Orphanet 306507, MedGen C3280113, MONDO:0013621, OMIM 614199.

Allele frequency attached by ClinVar (database versions not stated): gnomAD exomes below 0.00001; TOPMed below 0.00001; gnomAD 0.00001.

Submission:

Labcorp Genetics (formerly Invitae), Labcorp
Classification: Uncertain significance for LAMB2-related infantile-onset nephrotic syndrome; Pierson syndrome. Last evaluated: 2021-02-07. Review status: criteria provided, single submitter. Criteria: Invitae Variant Classification Sherloc (09022015). Collection method: clinical testing. Allele origin: germline.
Comment: In summary, the available evidence is currently insufficient to determine the role of this variant in disease. Therefore, it has been classified as a Variant of Uncertain Significance. Experimental studies and prediction algorithms are not available or were not evaluated, and the functional significance of this variant is currently unknown. This variant has not been reported in the literature in individuals with LAMB2-related conditions. This variant is not present in population databases (ExAC no frequency). This variant, c.1394_1396del, is a complex sequence change that results in the deletion of 2 and insertion of 1 amino acid(s) in the LAMB2 protein (p.Leu465_Gly466delinsArg).